The following is an entry in ClinVar:

NM_001458.5(FLNC):c.2642-3C>T

Gene: FLNC (filamin C; plus strand). Cytogenetic location: 7q32.1.
Variant type: single nucleotide variant.
Coding change: c.2642-3C>T on transcript NM_001458.5 (MANE Select); 3 bases into the intron before coding-DNA position 2642, C replaced by T.
Molecular consequence: intron variant.
Genome position (GRCh38, 1-based): chr7:128,843,405, C>T. VCF-style: chr7-128843405-C-T. GRCh37 (hg19) VCF-style: chr7-128483459-C-T.
Other names: c.2642-3C>T (NM_001127487.2).
Identifiers: ClinVar variation 971707 (VCV000971707.10), dbSNP rs1808423104, ClinGen allele CA1107052867.
Genomic context (GRCh38, chr7:128,843,405, plus strand): 5'-CTGGCTCGAGGTTGGGGTTAGGTGGCTGCCAGGCCCTCACCACATCTCTGGGTGGGTCCT[C>T]AGGTGTGGAAGTCGGGAAGCCCACCCACTTCACGGTGCTGACCAAGGGAGCCGGCAAGGC-3'

ClinVar aggregate classification (germline): Uncertain significance (1 of 4 stars; one submission).

Conditions:
Myofibrillar myopathy 5. Also called: Filaminopathy (type); FILAMINOPATHY, AUTOSOMAL DOMINANT. Identifiers: Orphanet 171445, MedGen C1836050, MONDO:0012289, OMIM 609524.
Distal myopathy with posterior leg and anterior hand involvement. Also called: WILLIAMS DISTAL MYOPATHY. Identifiers: Orphanet 63273, MedGen C3279722, MONDO:0013550, OMIM 614065.
Hypertrophic cardiomyopathy 26. Also called: Cardiomyopathy, familial hypertrophic, 26. Identifiers: Orphanet 75249, MedGen C4310749, MONDO:0014883, OMIM 617047.

Allele frequency attached by ClinVar (database versions not stated): gnomAD 0.00001; gnomAD exomes 0.00001.

Submission:

Labcorp Genetics (formerly Invitae), Labcorp
Classification: Uncertain significance for Distal myopathy with posterior leg and anterior hand involvement; Myofibrillar myopathy 5; Hypertrophic cardiomyopathy 26. Last evaluated: 2025-08-18. Review status: criteria provided, single submitter. Criteria: Invitae Variant Classification Sherloc (09022015). Collection method: clinical testing. Allele origin: germline.
Comment: This sequence change falls in intron 17 of the FLNC gene. It does not directly change the encoded amino acid sequence of the FLNC protein. It affects a nucleotide within the consensus splice site. This variant is not present in population databases (gnomAD no frequency). This variant has not been reported in the literature in individuals affected with FLNC-related conditions. ClinVar contains an entry for this variant (Variation ID: 971707). Variants that disrupt the consensus splice site are a relatively common cause of aberrant splicing (PMID: 17576681, 9536098). Algorithms developed to predict the effect of sequence changes on RNA splicing suggest that this variant is not likely to affect RNA splicing. In summary, the available evidence is currently insufficient to determine the role of this variant in disease. Therefore, it has been classified as a Variant of Uncertain Significance.

Literature cited by the submitters: PubMed 17576681; PubMed 9536098.